The following is an entry in ClinVar:

ClinVar aggregate classification (germline): Uncertain significance (1 of 4 stars; one submission).

Conditions:
Immunodeficiency. Identifiers: MedGen C0021051, MONDO:0021094, HP:0002721.

Allele frequency attached by ClinVar (database versions not stated): gnomAD 0.00001; 1000 Genomes Project 0.00020; 1000 Genomes Project 30x 0.00031.
gnomAD v4.1: 2 of 1,614,194 alleles (0.00012%); highest among the groups gnomAD compares: East Asian, 0.0045%; no homozygotes.

Submission:

Labcorp Genetics (formerly Invitae), Labcorp
Classification: Uncertain significance for Immunodeficiency. Last evaluated: 2023-04-12. Review status: criteria provided, single submitter. Criteria: Invitae Variant Classification Sherloc (09022015). Collection method: clinical testing. Allele origin: germline.
Comment: In summary, the available evidence is currently insufficient to determine the role of this variant in disease. Therefore, it has been classified as a Variant of Uncertain Significance. An algorithm developed to predict the effect of missense changes on protein structure and function (PolyPhen-2) suggests that this variant is likely to be tolerated. ClinVar contains an entry for this variant (Variation ID: 1400959). This variant has not been reported in the literature in individuals affected with NFAT5-related conditions. This variant is not present in population databases (gnomAD no frequency). This sequence change replaces proline, which is neutral and non-polar, with alanine, which is neutral and non-polar, at codon 687 of the NFAT5 protein (p.Pro687Ala).

NM_138713.4(NFAT5):c.2341C>G (p.Pro781Ala)

Gene: NFAT5 (nuclear factor of activated T cells 5; plus strand). Cytogenetic location: 16q22.1.
Variant type: single nucleotide variant.
Coding change: c.2341C>G on transcript NM_138713.4 (MANE Select); coding-DNA position 2341, C replaced by G.
Protein change: p.Pro781Ala; replaces proline 781 with alanine.
Molecular consequence: missense variant.
Genome position (GRCh38, 1-based): chr16:69,692,166, C>G. VCF-style: chr16-69692166-C-G. GRCh37 (hg19) VCF-style: chr16-69726069-C-G.
Other names: c.2059C>G, p.Pro687Ala (NM_173214.3, NM_173215.3, NM_138714.4); c.2338C>G, p.Pro780Ala (NM_001113178.3); c.1666C>G, p.Pro556Ala (NM_001367709.1); c.2287C>G, p.Pro763Ala (NM_006599.4); short protein forms P687A, P556A, P763A, P780A, P781A.
Identifiers: ClinVar variation 1400959 (VCV001400959.8), dbSNP rs535022014, ClinGen allele CA283373488.
Genomic context (GRCh38, chr16:69,692,166, plus strand): 5'-CAGTCACCACTACAAGAACAAGCACAGACTTTACAGCAGCAGATTTCATCAAATATTTTT[C>G]CATCACCAAATAGTGTGAGTCAGCTTCAGAATACTATTCAGCAGCTGCAAGCAGGGAGTT-3'
Protein context (NP_619727.2, residues 771-791): LQQQISSNIF[Pro781Ala]SPNSVSQLQN